The following is an entry in ClinVar:

NM_000130.5(F5):c.731-2A>T

Gene: F5 (coagulation factor V; minus strand). Cytogenetic location: 1q24.2.
Variant type: single nucleotide variant.
Coding change: c.731-2A>T on transcript NM_000130.5 (MANE Select); the canonical splice acceptor site of the intron before coding-DNA position 731, A replaced by T.
Molecular consequence: splice acceptor variant.
Genome position (GRCh38, 1-based): chr1:169,556,869, T>A on the plus strand (A>T on the coding strand, the complement: F5 is on the minus strand). VCF-style: chr1-169556869-T-A. GRCh37 (hg19) VCF-style: chr1-169526107-T-A.
Identifiers: ClinVar variation 3624873 (VCV003624873.2).

ClinVar aggregate classification (germline): Likely pathogenic (1 of 4 stars; one submission).

Conditions:
Congenital factor V deficiency. Also called: Hereditary factor V deficiency disease; LABILE FACTOR DEFICIENCY; OWREN PARAHEMOPHILIA; PARAHEMOPHILIA. Identifiers: Orphanet 326, MedGen C0015499, MONDO:0009210, OMIM 227400.

gnomAD v4.1: 1 of 1,613,116 alleles (0.000062%); highest among the groups gnomAD compares: South Asian, 0.0011%; no homozygotes.

Submission:

Labcorp Genetics (formerly Invitae), Labcorp
Classification: Likely pathogenic for Congenital factor V deficiency. Last evaluated: 2024-06-26. Review status: criteria provided, single submitter. Criteria: Invitae Variant Classification Sherloc (09022015). Collection method: clinical testing. Allele origin: germline.
Comment: This sequence change affects an acceptor splice site in intron 5 of the F5 gene. It is expected to disrupt RNA splicing. Variants that disrupt the donor or acceptor splice site typically lead to a loss of protein function (PMID: 16199547), and loss-of-function variants in F5 are known to be pathogenic (PMID: 30924984). This variant is not present in population databases (gnomAD no frequency). This variant has not been reported in the literature in individuals affected with F5-related conditions. Algorithms developed to predict the effect of sequence changes on RNA splicing suggest that this variant may disrupt the consensus splice site. In summary, the currently available evidence indicates that the variant is pathogenic, but additional data are needed to prove that conclusively. Therefore, this variant has been classified as Likely Pathogenic.

Literature cited by the submitters: PubMed 16199547; PubMed 30924984.